The following is an entry in ClinVar:

ClinVar aggregate classification (germline): Likely pathogenic. Review status: criteria provided, multiple submitters, no conflicts (2 of 4 stars). 4 submissions from 4 submitters: Likely pathogenic (2). 2 of the submissions do not count toward it. Last evaluated 2026-05-28.

Conditions:
Frontotemporal dementia (FTD1). Also called: Frontotemporal lobe dementia (FLDEM); FRONTOTEMPORAL DEMENTIA WITH PARKINSONISM; FRONTOTEMPORAL LOBE DEMENTIA; WILHELMSEN-LYNCH DISEASE; FRONTOTEMPORAL LOBAR DEGENERATION WITH TAU INCLUSIONS; FTLD WITH TAU INCLUSIONS. Identifiers: Orphanet 282, MedGen C0338451, MONDO:0017276, OMIM 600274, HP:0002145.

Submissions (4):

Institut für angewandte Humangenetik und Onkogenetik Professor Froster
Classification: Likely pathogenic for Frontotemporal dementia. Last evaluated: 2026-05-28. Review status: criteria provided, single submitter. Criteria: ACMG Guidelines, 2015. Collection method: clinical testing. Allele origin: germline. Inheritance: Autosomal dominant inheritance. Affected: yes. Observed: 1 variant allele, 1 heterozygote.
Comment: The missense variant c.2077C>T p.(Pro693Ser), also known as c.901C>T p.(Pro301Ser), results in a proline to serine substitution at codon 693 (codon 301 respectively). The variant is absent from population databases (gnomAD). The variant has been reported in the literatur in individuals with frontotemporal dementia and corticobasal degeneration (PMID: 10374757, PMID: 12796837). A transgenic mouse model expressing human MAPT with the P301S mutation reflects several key features of human tauopathies (PMID: 17270732). Codon 301 represents a well-established mutational hotspot within the microtubule-binding domain of MAPT, and another missense variant affecting the same amino acid residue, p.(Pro301Leu) has been classified as pathogenic on ClinVar (VCV000014245.55). Segregation analysis could not be performed. In silico prediction tools support a deleterious effect on the gene product (REVEL 0.92). This variant has been classified as likely pathogenic (PM1_MOD, PM2_SUP, PM5_MOD, PP3_MOD, PP4_SUP).

Department of Human Genetics, Hannover Medical School
Classification: Likely pathogenic for Frontotemporal dementia. Last evaluated: 2024-02-15. Review status: criteria provided, single submitter. Criteria: ACMG Guidelines, 2015. Collection method: clinical testing. Allele origin: germline. Affected: yes.

OMIM
Classification: Pathogenic for FRONTOTEMPORAL DEMENTIA 1. Last evaluated: 2005-12-01. Review status: no assertion criteria provided. Collection method: literature only. Allele origin: germline. Not counted in ClinVar's aggregate classification.

VIB  Department of Molecular Genetics, University of Antwerp
No classification provided. Review status: no classification provided. Collection method: not provided. Allele origin: not provided. Not counted in ClinVar's aggregate classification.

Literature cited by the submitters: PubMed 10374757 (cited by Institut für angewandte Humangenetik und Onkogenetik Professor Froster and OMIM); PubMed 12796837 (cited by Institut für angewandte Humangenetik und Onkogenetik Professor Froster and OMIM); PubMed 17270732 (cited by Institut für angewandte Humangenetik und Onkogenetik Professor Froster); PubMed 10553987 (cited by OMIM); PubMed 11071507 (cited by OMIM); PubMed 12722177 (cited by OMIM); PubMed 16240366 (cited by OMIM).

NM_001377265.1(MAPT):c.2077C>T (p.Pro693Ser)

Gene: MAPT (microtubule associated protein tau). Cytogenetic location: 17q21.31.
Variant type: single nucleotide variant.
Coding change: c.2077C>T on transcript NM_001377265.1 (MANE Select); coding-DNA position 2077, C replaced by T.
Protein change: p.Pro693Ser; replaces proline 693 with serine.
Molecular consequence: missense variant. On other transcripts: intron variant (6).
Genome position (GRCh38, 1-based): chr17:46,010,388, C>T. VCF-style: chr17-46010388-C-T. GRCh37 (hg19) VCF-style: chr17-44087754-C-T.
Other names: c.1906C>T, p.Pro636Ser (NM_001123066.4); c.814C>T, p.Pro272Ser (NM_001123067.4); c.901C>T, p.Pro301Ser (NM_005910.6); c.727C>T, p.Pro243Ser (NM_016834.5); c.1852C>T, p.Pro618Ser (NM_016835.5); c.649-3855C>T (NM_001377268.1, NM_016841.5); c.823-3855C>T (NM_001203252.2); c.1801-3855C>T (NM_001377266.1); and 1 more; short protein forms P301S, P243S, P272S, P618S, P636S, P693S.
Identifiers: ClinVar variation 14256 (VCV000014256.4), dbSNP rs63751438, ClinGen allele CA225439.
Genomic context (GRCh38, chr17:46,010,388, plus strand): 5'-AAGCTGGATCTTAGCAACGTCCAGTCCAAGTGTGGCTCAAAGGATAATATCAAACACGTC[C>T]CGGGAGGCGGCAGTGTGAGTACCTTCACACGTCCCATGCGCCGTGCTGTGGCTTGAATTA-3'
Protein context (NP_001364194.1, residues 683-703): CGSKDNIKHV[Pro693Ser]GGGSVQIVYK